The following is an entry in ClinVar:

ClinVar aggregate classification (germline): Uncertain significance (1 of 4 stars; one submission).

Conditions:
Tuberous sclerosis 1 (TSC1). Identifiers: Orphanet 805, MedGen C1854465, MONDO:0008612, OMIM 191100.

Submission:

Labcorp Genetics (formerly Invitae), Labcorp
Classification: Uncertain significance for Tuberous sclerosis 1. Last evaluated: 2020-01-02. Review status: criteria provided, single submitter. Criteria: Invitae Variant Classification Sherloc (09022015). Collection method: clinical testing. Allele origin: germline.
Comment: This variant is not present in population databases (ExAC no frequency). This variant has not been reported in the literature in individuals with TSC1-related conditions. Algorithms developed to predict the effect of missense changes on protein structure and function are either unavailable or do not agree on the potential impact of this missense change (SIFT: "Tolerated"; PolyPhen-2: "Probably Damaging"; Align-GVGD: "Class C0"). In summary, the available evidence is currently insufficient to determine the role of this variant in disease. Therefore, it has been classified as a Variant of Uncertain Significance. This sequence change replaces glycine with cysteine at codon 1016 of the TSC1 protein (p.Gly1016Cys). The glycine residue is moderately conserved and there is a large physicochemical difference between glycine and cysteine.

NM_000368.5(TSC1):c.3046G>T (p.Gly1016Cys)

Gene: TSC1 (TSC complex subunit 1; minus strand). Cytogenetic location: 9q34.13.
Variant type: single nucleotide variant.
Coding change: c.3046G>T on transcript NM_000368.5 (MANE Select); coding-DNA position 3046, G replaced by T.
Protein change: p.Gly1016Cys; replaces glycine 1016 with cysteine.
Molecular consequence: missense variant.
Genome position (GRCh38, 1-based): chr9:132,896,684, C>A on the plus strand (G>T on the coding strand, the complement: TSC1 is on the minus strand). VCF-style: chr9-132896684-C-A. GRCh37 (hg19) VCF-style: chr9-135772071-C-A.
Other names: c.3043G>T, p.Gly1015Cys (NM_001162426.2); c.2893G>T, p.Gly965Cys (NM_001162427.2); c.2683G>T, p.Gly895Cys (NM_001362177.2); short protein forms G1015C, G1016C, G895C, G965C.
Identifiers: ClinVar variation 1006100 (VCV001006100.9), dbSNP rs1020905743, ClinGen allele CA375367723.
Genomic context (GRCh38, chr9:132,896,684, plus strand): 5'-CACCACCTCTGCTTCCACTACTGCCCCGGGCGCTGCTGGGCCTGGGGGTCTTGGTCTCAC[C>A]GTTGTGGCCAGATGCCTCTTCATTGTGCCCTACCATGGAATCTGAGCACCCGTCATTACA-3'
Protein context (NP_000359.1, residues 1006-1026): GHNEEASGHN[Gly1016Cys]ETKTPRPSSA